The following is an entry in ClinVar:

NM_016247.4(IMPG2):c.379C>T (p.Arg127Ter)

Gene: IMPG2 (interphotoreceptor matrix proteoglycan 2; minus strand). Cytogenetic location: 3q12.3.
Variant type: single nucleotide variant.
Coding change: c.379C>T on transcript NM_016247.4 (MANE Select); coding-DNA position 379, C replaced by T.
Protein change: p.Arg127Ter; replaces arginine 127 with a stop codon.
Molecular consequence: nonsense.
Genome position (GRCh38, 1-based): chr3:101,304,268, G>A on the plus strand (C>T on the coding strand, the complement: IMPG2 is on the minus strand). VCF-style: chr3-101304268-G-A. GRCh37 (hg19) VCF-style: chr3-101023112-G-A.
Other names: short protein forms R127*.
Identifiers: ClinVar variation 845633 (VCV000845633.17), dbSNP rs759184240, ClinGen allele CA79718266.

ClinVar aggregate classification (germline): Pathogenic. Review status: criteria provided, multiple submitters, no conflicts (2 of 4 stars). 5 submissions from 5 submitters: Pathogenic (2). 3 of the submissions do not count toward it. Last evaluated 2024-02-21.

Conditions:
IMPG2-related disorders.

Allele frequency attached by ClinVar (database versions not stated): gnomAD exomes 0.00001 and 0.00002; TOPMed 0.00002.

Submissions (5):

Blueprint Genetics
Classification: Pathogenic for IMPG2-related disorders. Last evaluated: 2024-02-21. Review status: criteria provided, single submitter. Criteria: ACMG Guidelines, 2015. Collection method: clinical testing. Allele origin: germline. Affected: yes. Observed: 5 variant alleles.

Labcorp Genetics (formerly Invitae), Labcorp
Classification: Pathogenic. Last evaluated: 2023-12-06. Review status: criteria provided, single submitter. Criteria: Invitae Variant Classification Sherloc (09022015). Collection method: clinical testing. Allele origin: germline.
Comment: This sequence change creates a premature translational stop signal (p.Arg127*) in the IMPG2 gene. It is expected to result in an absent or disrupted protein product. Loss-of-function variants in IMPG2 are known to be pathogenic (PMID: 20673862). This variant is not present in population databases (gnomAD no frequency). This premature translational stop signal has been observed in individual(s) with autosomal recessive retinitis pigmentosa (PMID: 24876279). It has also been observed to segregate with disease in related individuals. ClinVar contains an entry for this variant (Variation ID: 845633). For these reasons, this variant has been classified as Pathogenic.

Clinical Genetics DNA and cytogenetics Diagnostics Lab, Erasmus MC, Erasmus Medical Center
Classification: Pathogenic. Review status: no assertion criteria provided. Collection method: clinical testing. Allele origin: germline. Affected: yes. Study: VKGL Data-share Consensus. Not counted in ClinVar's aggregate classification.

Clinical Genetics, Academic Medical Center
Classification: Pathogenic. Review status: no assertion criteria provided. Collection method: clinical testing. Allele origin: germline. Affected: yes. Study: VKGL Data-share Consensus. Not counted in ClinVar's aggregate classification.

Joint Genome Diagnostic Labs from Nijmegen and Maastricht, Radboudumc and MUMC+
Classification: Pathogenic. Review status: no assertion criteria provided. Collection method: clinical testing. Allele origin: germline. Affected: yes. Study: VKGL Data-share Consensus. Not counted in ClinVar's aggregate classification.

Literature cited by the submitters: PubMed 20673862 (cited by Labcorp Genetics (formerly Invitae), Labcorp); PubMed 24876279 (cited by Labcorp Genetics (formerly Invitae), Labcorp).